The following is an entry in ClinVar:

ClinVar aggregate classification (germline): Uncertain significance. Review status: criteria provided, multiple submitters, no conflicts (2 of 4 stars). 2 submissions from 2 submitters: Uncertain significance (2). Last evaluated 2025-02-21.

Conditions:
Hereditary cancer-predisposing syndrome. Also called: Hereditary neoplastic syndrome; Tumor predisposition; Neoplastic Syndromes, Hereditary; Hereditary Cancer Syndrome. Identifiers: Orphanet 140162, MedGen C0027672, MeSH D009386, MONDO:0015356.
Multiple endocrine neoplasia, type 1 (MEN1). Also called: MEN I; Endocrine adenomatosis multiple; MEN 1; WERMER SYNDROME; MEA I. Identifiers: Orphanet 652, MedGen C0025267, MeSH D018761, MONDO:0007540, OMIM 131100.

Allele frequency attached by ClinVar (database versions not stated): gnomAD exomes below 0.00001.
gnomAD v4.1: 2 of 1,587,400 alleles (0.00013%); highest among the groups gnomAD compares: Non-Finnish European, 0.000086%; no homozygotes.

Submissions (2):

Ambry Genetics
Classification: Uncertain significance for Hereditary cancer-predisposing syndrome. Last evaluated: 2025-02-21. Review status: criteria provided, single submitter. Criteria: Ambry Variant Classification Scheme 2023. Collection method: clinical testing. Allele origin: germline.
Comment: The p.P65H variant (also known as c.194C>A), located in coding exon 1 of the MEN1 gene, results from a C to A substitution at nucleotide position 194. The proline at codon 65 is replaced by histidine, an amino acid with similar properties. This amino acid position is highly conserved in available vertebrate species. In addition, the in silico prediction for this alteration is inconclusive. Since supporting evidence is limited at this time, the clinical significance of this alteration remains unclear.

Labcorp Genetics (formerly Invitae), Labcorp
Classification: Uncertain significance for Multiple endocrine neoplasia, type 1. Last evaluated: 2022-12-06. Review status: criteria provided, single submitter. Criteria: Invitae Variant Classification Sherloc (09022015). Collection method: clinical testing. Allele origin: germline.
Comment: Advanced modeling of protein sequence and biophysical properties (such as structural, functional, and spatial information, amino acid conservation, physicochemical variation, residue mobility, and thermodynamic stability) performed at Invitae indicates that this missense variant is expected to disrupt MEN1 protein function. ClinVar contains an entry for this variant (Variation ID: 428020). This variant has not been reported in the literature in individuals affected with MEN1-related conditions. The frequency data for this variant in the population databases is considered unreliable, as metrics indicate poor data quality at this position in the gnomAD database. This sequence change replaces proline, which is neutral and non-polar, with histidine, which is basic and polar, at codon 65 of the MEN1 protein (p.Pro65His). In summary, the available evidence is currently insufficient to determine the role of this variant in disease. Therefore, it has been classified as a Variant of Uncertain Significance.

NM_001370259.2(MEN1):c.194C>A (p.Pro65His)

Gene: MEN1 (menin 1; minus strand). Cytogenetic location: 11q13.1.
Variant type: single nucleotide variant.
Coding change: c.194C>A on transcript NM_001370259.2 (MANE Select); coding-DNA position 194, C replaced by A.
Protein change: p.Pro65His; replaces proline 65 with histidine.
Molecular consequence: missense variant.
Genome position (GRCh38, 1-based): chr11:64,809,916, G>T on the plus strand (C>A on the coding strand, the complement: MEN1 is on the minus strand). VCF-style: chr11-64809916-G-T. GRCh37 (hg19) VCF-style: chr11-64577388-G-T.
Other names: c.194C>A, p.Pro65His (NM_000244.4, NM_001370251.2, NM_001370260.2 and 9 more transcripts); short protein forms P65H.
Identifiers: ClinVar variation 428020 (VCV000428020.12), dbSNP rs1114167484, ClinGen allele CA381187672.
Genomic context (GRCh38, chr11:64,809,916, plus strand): 5'-ATAGACAGGTCGGCCACGGGAAAGTAGGTGAGGCCGCCAGGCGGGTCGGGGGCGGGGCTG[G>T]GCTGGAAGGTGAGCTCGGGAACGTTGGTAGGGATGACGCGGTTGACAGCCAGAAAATGCT-3'
Protein context (NP_001357188.2, residues 55-75): PTNVPELTFQ[Pro65His]SPAPDPPGGL